The following is an entry in ClinVar:

NM_012414.4(RAB3GAP2):c.2527G>A (p.Val843Ile)

Gene: RAB3GAP2 (RAB3 GTPase activating non-catalytic protein subunit 2; minus strand). Cytogenetic location: 1q41.
Variant type: single nucleotide variant.
Coding change: c.2527G>A on transcript NM_012414.4 (MANE Select); coding-DNA position 2527, G replaced by A.
Protein change: p.Val843Ile; replaces valine 843 with isoleucine.
Molecular consequence: missense variant.
Genome position (GRCh38, 1-based): chr1:220,171,939, C>T on the plus strand (G>A on the coding strand, the complement: RAB3GAP2 is on the minus strand). VCF-style: chr1-220171939-C-T. GRCh37 (hg19) VCF-style: chr1-220345281-C-T.
Other names: short protein forms V843I.
Identifiers: ClinVar variation 295648 (VCV000295648.6), dbSNP rs753147106, ClinGen allele CA1402396.

ClinVar aggregate classification (germline): Uncertain significance. Review status: criteria provided, multiple submitters, no conflicts (2 of 4 stars). 3 submissions from 2 submitters: Uncertain significance (3). Last evaluated 2023-06-13.

Conditions:
Warburg micro syndrome 2 (WARBM2). Also called: MICRO SYNDROME 2. Identifiers: Orphanet 2510, MedGen C3280214, MONDO:0013641, OMIM 614225.
Martsolf syndrome (MARTS). Also called: Congenital cataract with intellectual disability and hypogonadotropic hypogonadism syndrome. Identifiers: Orphanet 1387, MedGen C0796037, MONDO:0023910.

Allele frequency attached by ClinVar (database versions not stated): gnomAD 0.00001 and 0.00005; TOPMed 0.00001; ExAC 0.00002; gnomAD exomes 0.00002 and 0.00005.
gnomAD v4.1: 73 of 1,614,214 alleles (0.0045%); highest among the groups gnomAD compares: East Asian, 0.15%; no homozygotes.

Submissions (3):

GeneDx
Classification: Uncertain significance. Last evaluated: 2023-06-13. Review status: criteria provided, single submitter. Criteria: GeneDx Variant Classification Process June 2021. Collection method: clinical testing. Allele origin: germline. Affected: yes.
Comment: In silico analysis supports that this missense variant does not alter protein structure/function; Has not been previously published as pathogenic or benign to our knowledge

Illumina Laboratory Services, Illumina
Classification: Uncertain significance for Warburg micro syndrome 2. Last evaluated: 2018-01-13. Review status: criteria provided, single submitter. Criteria: ICSL Variant Classification Criteria 13 December 2019. Collection method: clinical testing. Allele origin: germline.

Illumina Laboratory Services, Illumina
Classification: Uncertain significance for Martsolf syndrome 1. Last evaluated: 2018-01-13. Review status: criteria provided, single submitter. Criteria: ICSL Variant Classification Criteria 13 December 2019. Collection method: clinical testing. Allele origin: germline.